The following is an entry in ClinVar:

NM_003079.5(SMARCE1):c.869C>G (p.Ala290Gly)

Gene: SMARCE1 (SWI/SNF related BAF chromatin remodeling complex subunit E1; minus strand). Cytogenetic location: 17q21.2.
Variant type: single nucleotide variant.
Coding change: c.869C>G on transcript NM_003079.5 (MANE Select); coding-DNA position 869, C replaced by G.
Protein change: p.Ala290Gly; replaces alanine 290 with glycine.
Molecular consequence: missense variant.
Genome position (GRCh38, 1-based): chr17:40,630,872, G>C on the plus strand (C>G on the coding strand, the complement: SMARCE1 is on the minus strand). VCF-style: chr17-40630872-G-C. GRCh37 (hg19) VCF-style: chr17-38787124-G-C.
Other names: short protein forms A290G.
Identifiers: ClinVar variation 1363758 (VCV001363758.8), dbSNP rs758923998, ClinGen allele CA399363826.

ClinVar aggregate classification (germline): Uncertain significance (1 of 4 stars; one submission).

Conditions:
Familial meningioma. Also called: Meningioma, familial, susceptibility to. Identifiers: Orphanet 263662, MedGen C3551915, MONDO:0011789, OMIM 607174.

Submission:

Labcorp Genetics (formerly Invitae), Labcorp
Classification: Uncertain significance for Familial meningioma. Last evaluated: 2021-06-25. Review status: criteria provided, single submitter. Criteria: Invitae Variant Classification Sherloc (09022015). Collection method: clinical testing. Allele origin: germline.
Comment: This sequence change replaces alanine with glycine at codon 290 of the SMARCE1 protein (p.Ala290Gly). The alanine residue is highly conserved and there is a small physicochemical difference between alanine and glycine. This variant is not present in population databases (ExAC no frequency). This variant has not been reported in the literature in individuals with SMARCE1-related conditions. Algorithms developed to predict the effect of missense changes on protein structure and function are either unavailable or do not agree on the potential impact of this missense change (SIFT: "Tolerated"; PolyPhen-2: "Possibly Damaging"; Align-GVGD: "Class C0"). In summary, the available evidence is currently insufficient to determine the role of this variant in disease. Therefore, it has been classified as a Variant of Uncertain Significance.